The following is an entry in ClinVar:

ClinVar aggregate classification (germline): Uncertain significance (1 of 4 stars; one submission).

Conditions:
Kleefstra syndrome 1 (KLEFS1). Identifiers: Orphanet 261494, MedGen C0795833, MONDO:0027407, OMIM 610253.

Allele frequency attached by ClinVar (database versions not stated): TOPMed below 0.00001; gnomAD exomes below 0.00001.
gnomAD v4.1: 1 of 1,614,072 alleles (0.000062%); highest among the groups gnomAD compares: Admixed American, 0.0017%; no homozygotes.

Submission:

Labcorp Genetics (formerly Invitae), Labcorp
Classification: Uncertain significance for Kleefstra syndrome 1. Last evaluated: 2023-03-04. Review status: criteria provided, single submitter. Criteria: Invitae Variant Classification Sherloc (09022015). Collection method: clinical testing. Allele origin: germline.
Comment: This sequence change replaces lysine, which is basic and polar, with glutamic acid, which is acidic and polar, at codon 430 of the EHMT1 protein (p.Lys430Glu). This variant is not present in population databases (gnomAD no frequency). This variant has not been reported in the literature in individuals affected with EHMT1-related conditions. Advanced modeling of protein sequence and biophysical properties (such as structural, functional, and spatial information, amino acid conservation, physicochemical variation, residue mobility, and thermodynamic stability) performed at Invitae indicates that this missense variant is not expected to disrupt EHMT1 protein function. In summary, the available evidence is currently insufficient to determine the role of this variant in disease. Therefore, it has been classified as a Variant of Uncertain Significance.

NM_024757.5(EHMT1):c.1288A>G (p.Lys430Glu)

Gene: EHMT1 (euchromatic histone lysine methyltransferase 1; plus strand). Cytogenetic location: 9q34.3.
Variant type: single nucleotide variant.
Coding change: c.1288A>G on transcript NM_024757.5 (MANE Select); coding-DNA position 1288, A replaced by G.
Protein change: p.Lys430Glu; replaces lysine 430 with glutamic acid.
Molecular consequence: missense variant.
Genome position (GRCh38, 1-based): chr9:137,754,210, A>G. VCF-style: chr9-137754210-A-G. GRCh37 (hg19) VCF-style: chr9-140648662-A-G.
Other names: c.1288A>G, p.Lys430Glu (NM_001145527.2, NM_001354611.2); c.1195A>G, p.Lys399Glu (NM_001354259.2, NM_001354612.2); c.1267A>G, p.Lys423Glu (NM_001354263.2); short protein forms K399E, K423E, K430E.
Identifiers: ClinVar variation 2875538 (VCV002875538.3), dbSNP rs1949204467, ClinGen allele CA375763074.
Genomic context (GRCh38, chr9:137,754,210, plus strand): 5'-CCTGCCCGTTTGGTTCTCCAGAGTTCGGAATCCAGCATTAAGAAGAAATTTCTCAAGAGG[A>G]AAGGAAAGACCGACAGTCCCTGGATCAAGCCAGCCAGGAAAAGGAGGCGGAGAAGTAGAA-3'
Protein context (NP_079033.4, residues 420-440): SSIKKKFLKR[Lys430Glu]GKTDSPWIKP